The following is an entry in ClinVar:

NM_000135.4(FANCA):c.2651C>G (p.Ser884Cys)

Genes: FANCA (FA complementation group A; minus strand), LOC130059837 (ATAC-STARR-seq lymphoblastoid active region 11420; plus strand). Cytogenetic location: 16q24.3.
Variant type: single nucleotide variant.
Coding change: c.2651C>G on transcript NM_000135.4 (MANE Select); coding-DNA position 2651, C replaced by G.
Protein change: p.Ser884Cys; replaces serine 884 with cysteine.
Molecular consequence: missense variant.
Genome position (GRCh38, 1-based): chr16:89,765,017, G>C on the plus strand (C>G on the coding strand, the complement: FANCA is on the minus strand). VCF-style: chr16-89765017-G-C. GRCh37 (hg19) VCF-style: chr16-89831425-G-C.
Other names: c.2651C>G (NM_000135.3); c.2651C>G, p.Ser884Cys (NM_001286167.3); short protein forms S884C.
Identifiers: ClinVar variation 849937 (VCV000849937.12), dbSNP rs776492214, ClinGen allele CA8251603.
Genomic context (GRCh38, chr16:89,765,017, plus strand): 5'-TGCCAGTCTGCAGAAGGAAGGTGCAAGGGTCTCCAGGAAAGGCTGGCTACGTCCTCCTCA[G>C]AAAGAGGCTGTCGGGCCTCTGAGAACAATCTGAACATGAGGAACTGAAACTGAAACAGAG-3'
Protein context (NP_000126.2, residues 874-894): RLFSEARQPL[Ser884Cys]EEDVASLSWR

ClinVar aggregate classification (germline): Uncertain significance. Review status: criteria provided, multiple submitters, no conflicts (2 of 4 stars). 4 submissions from 4 submitters: Uncertain significance (3). 1 of the submissions does not count toward it. Last evaluated 2025-09-10.

Conditions:
Inborn genetic diseases. Identifiers: MedGen C0950123, MeSH D030342.
Fanconi anemia (FA). Also called: Fanconi's anemia. Identifiers: Orphanet 84, MedGen C0015625, MeSH D005199, MONDO:0019391.

Allele frequency attached by ClinVar (database versions not stated): ExAC 0.00001; gnomAD exomes 0.00001; TOPMed 0.00001.
gnomAD v4.1: 53 of 1,614,252 alleles (0.0033%); highest among the groups gnomAD compares: Non-Finnish European, 0.0043%; no homozygotes.

Submissions (4):

Labcorp Genetics (formerly Invitae), Labcorp
Classification: Uncertain significance for Fanconi anemia. Last evaluated: 2025-09-10. Review status: criteria provided, single submitter. Criteria: Invitae Variant Classification Sherloc (09022015). Collection method: clinical testing. Allele origin: germline.
Comment: This sequence change replaces serine, which is neutral and polar, with cysteine, which is neutral and slightly polar, at codon 884 of the FANCA protein (p.Ser884Cys). This variant is present in population databases (rs776492214, gnomAD 0.006%). This variant has not been reported in the literature in individuals affected with FANCA-related conditions. ClinVar contains an entry for this variant (Variation ID: 849937). Invitae Evidence Modeling of protein sequence and biophysical properties (such as structural, functional, and spatial information, amino acid conservation, physicochemical variation, residue mobility, and thermodynamic stability) indicates that this missense variant is not expected to disrupt FANCA protein function with a negative predictive value of 95%. In summary, the available evidence is currently insufficient to determine the role of this variant in disease. Therefore, it has been classified as a Variant of Uncertain Significance.

Ambry Genetics
Classification: Uncertain significance for Inborn genetic diseases. Last evaluated: 2025-01-09. Review status: criteria provided, single submitter. Criteria: Ambry Variant Classification Scheme 2023. Collection method: clinical testing. Allele origin: germline.
Comment: The p.S884C variant (also known as c.2651C>G), located in coding exon 28 of the FANCA gene, results from a C to G substitution at nucleotide position 2651. The serine at codon 884 is replaced by cysteine, an amino acid with dissimilar properties. This amino acid position is conserved. In addition, this alteration is predicted to be tolerated by in silico analysis. Based on the available evidence, the clinical significance of this variant remains unclear.

Quest Diagnostics Nichols Institute San Juan Capistrano
Classification: Uncertain significance. Last evaluated: 2024-10-31. Review status: criteria provided, single submitter. Criteria: Quest Diagnostics criteria. Collection method: clinical testing. Allele origin: unknown.
Comment: The FANCA c.2651C>G (p.Ser884Cys) variant has been identified in reportedly healthy individual (PMID: 32546565 (2021)). The frequency of this variant in the general population, 0.000012 (3/251472 chromosomes (Genome Aggregation Database)), is uninformative in the assessment of its pathogenicity. Analysis of this variant using bioinformatics tools for the prediction of the effect of amino acid changes on protein structure and function yielded predictions that this variant is benign. Based on the available information, we are unable to determine the clinical significance of this variant.

Natera, Inc.
Classification: Uncertain significance for Fanconi anemia. Last evaluated: 2020-07-02. Review status: no assertion criteria provided. Collection method: clinical testing. Allele origin: germline. Not counted in ClinVar's aggregate classification.

Literature cited by the submitters: PubMed 32546565 (cited by Quest Diagnostics Nichols Institute San Juan Capistrano).